The following is an entry in ClinVar:

NM_006164.5(NFE2L2):c.130A>C (p.Lys44Gln)

Gene: NFE2L2 (NFE2 like bZIP transcription factor 2; minus strand). Cytogenetic location: 2q31.2.
Variant type: single nucleotide variant.
Coding change: c.130A>C on transcript NM_006164.5 (MANE Select); coding-DNA position 130, A replaced by C.
Protein change: p.Lys44Gln; replaces lysine 44 with glutamine.
Molecular consequence: missense variant. On other transcripts: 5 prime UTR variant (1), intron variant (1).
Genome position (GRCh38, 1-based): chr2:177,234,187, T>G on the plus strand (A>C on the coding strand, the complement: NFE2L2 is on the minus strand). VCF-style: chr2-177234187-T-G. GRCh37 (hg19) VCF-style: chr2-178098915-T-G.
Other names: c.82A>C, p.Lys28Gln (NM_001145412.3, NM_001145413.3, NM_001313900.1 and 1 more transcripts); c.130A>C, p.Lys44Gln (NM_001313902.2); c.-100A>C (NM_001313904.1); c.93+37A>C (NM_001313903.2); short protein forms K28Q, K44Q.
Identifiers: ClinVar variation 4762493 (VCV004762493.1).

ClinVar aggregate classification (germline): Uncertain significance (1 of 4 stars; one submission).

Submission:

Labcorp Genetics (formerly Invitae), Labcorp
Classification: Uncertain significance. Last evaluated: 2026-01-26. Review status: criteria provided, single submitter. Criteria: Invitae Variant Classification Sherloc (09022015). Collection method: clinical testing. Allele origin: germline.
Comment: This sequence change replaces lysine, which is basic and polar, with glutamine, which is neutral and polar, at codon 44 of the NFE2L2 protein (p.Lys44Gln). This variant is not present in population databases (gnomAD no frequency). This variant has not been reported in the literature in individuals affected with NFE2L2-related conditions. Invitae Evidence Modeling of protein sequence and biophysical properties (such as structural, functional, and spatial information, amino acid conservation, physicochemical variation, residue mobility, and thermodynamic stability) indicates that this missense variant is expected to disrupt NFE2L2 protein function with a positive predictive value of 80%. In summary, the available evidence is currently insufficient to determine the role of this variant in disease. Therefore, it has been classified as a Variant of Uncertain Significance.